The following is an entry in ClinVar:

NM_004260.4(RECQL4):c.1744G>A (p.Glu582Lys)

Gene: RECQL4 (RecQ like helicase 4; minus strand). Cytogenetic location: 8q24.3.
Variant type: single nucleotide variant.
Coding change: c.1744G>A on transcript NM_004260.4 (MANE Select); coding-DNA position 1744, G replaced by A.
Protein change: p.Glu582Lys; replaces glutamic acid 582 with lysine.
Molecular consequence: missense variant.
Genome position (GRCh38, 1-based): chr8:144,514,323, C>T on the plus strand (G>A on the coding strand, the complement: RECQL4 is on the minus strand). VCF-style: chr8-144514323-C-T. GRCh37 (hg19) VCF-style: chr8-145739707-C-T.
Other names: short protein forms E582K.
Identifiers: ClinVar variation 1692763 (VCV001692763.2), dbSNP rs2130696532, ClinGen allele CA372681116.
Genomic context (GRCh38, chr8:144,514,323, plus strand): 5'-CAAAAGCAACTGGAGGCAGCTGTGCGGCTGGAGGGAGGCCTCCCGCCCCCACCAGTGCCT[C>T]AGGTGTCAGCATCAGCACGTGTACCTGGGCTGCCCGAATCTGAAGGCAGCAAGATCAGAG-3'
Protein context (NP_004251.4, residues 572-592): AQVHVLMLTP[Glu582Lys]ALVGAGGLPP

ClinVar aggregate classification (germline): Uncertain significance. Review status: criteria provided, multiple submitters, no conflicts (2 of 4 stars). 2 submissions from 2 submitters: Uncertain significance (2). Last evaluated 2025-03-08.

Conditions:
Hereditary cancer-predisposing syndrome. Also called: Hereditary neoplastic syndrome; Tumor predisposition; Neoplastic Syndromes, Hereditary; Hereditary Cancer Syndrome. Identifiers: Orphanet 140162, MedGen C0027672, MeSH D009386, MONDO:0015356.
Inborn genetic diseases. Identifiers: MedGen C0950123, MeSH D030342.

Allele frequency attached by ClinVar (database versions not stated): gnomAD exomes 0.00001.
gnomAD v4.1: 3 of 1,608,478 alleles (0.00019%); highest among the groups gnomAD compares: Non-Finnish European, 0.00025%; no homozygotes.

Submissions (2):

Ambry Genetics
Classification: Uncertain significance for Inborn genetic diseases. Last evaluated: 2025-03-08. Review status: criteria provided, single submitter. Criteria: Ambry Variant Classification Scheme 2023. Collection method: clinical testing. Allele origin: germline.
Comment: The p.E582K variant (also known as c.1744G>A), located in coding exon 11 of the RECQL4 gene, results from a G to A substitution at nucleotide position 1744. The glutamic acid at codon 582 is replaced by lysine, an amino acid with similar properties. This amino acid position is conserved. In addition, this alteration is predicted to be deleterious by in silico analysis. Based on the available evidence, the clinical significance of this variant remains unclear.

Sema4
Classification: Uncertain significance for Hereditary cancer-predisposing syndrome. Last evaluated: 2021-08-23. Review status: criteria provided, single submitter. Criteria: Sema4 Curation Guidelines. Collection method: curation. Allele origin: germline.
Comment: The RECQL4 c.1744G>A (p.E582K) variant has not been reported in the literature to our knowledge. It was not observed in the large and broad cohorts of the Genome Aggregation Database (PMID: 32461654). The variant has not been reported in ClinVar. In silico tools suggest the impact of the variant on protein function is deleterious, though these predictions have not been confirmed by functional studies. The evidence is insufficient to meet ACMG/AMP criteria for classifying the variant as benign or pathogenic. Thus, the clinical significance of this variant is currently uncertain.